The following is an entry in ClinVar:

ClinVar aggregate classification (germline): Uncertain significance (1 of 4 stars; one submission).

Conditions:
Atrial fibrillation, familial, 11 (ATFB11). Identifiers: MedGen C3279693, MONDO:0013544, OMIM 614049.
Atrial standstill 1 (ATRST1). Also called: Atrial standstill, digenic (GJA5/SCN5A); ATRIAL CARDIOMYOPATHY WITH HEART BLOCK; CARDIOMYOPATHY, FAMILIAL, WITH CONDUCTION DISTURBANCE. Identifiers: Orphanet 1344, MedGen C4551959, MONDO:0007171, OMIM 108770.

Submission:

Labcorp Genetics (formerly Invitae), Labcorp
Classification: Uncertain significance for Atrial fibrillation, familial, 11; Atrial standstill 1. Last evaluated: 2025-02-05. Review status: criteria provided, single submitter. Criteria: Invitae Variant Classification Sherloc (09022015). Collection method: clinical testing. Allele origin: germline.
Comment: This sequence change creates a premature translational stop signal (p.Asp266Argfs*3) in the GJA5 gene. While this is not anticipated to result in nonsense mediated decay, it is expected to disrupt the last 93 amino acid(s) of the GJA5 protein. This variant is present in population databases (rs782537868, gnomAD 0.002%). This variant has not been reported in the literature in individuals affected with GJA5-related conditions. ClinVar contains an entry for this variant (Variation ID: 1507804). Experimental studies and prediction algorithms are not available or were not evaluated, and the functional significance of this variant is currently unknown. In summary, the available evidence is currently insufficient to determine the role of this variant in disease. Therefore, it has been classified as a Variant of Uncertain Significance.

NM_181703.4(GJA5):c.795dup (p.Asp266fs)

Genes: GJA5 (gap junction protein alpha 5; minus strand), LOC122128420 (Sharpr-MPRA regulatory region 3144; plus strand). Cytogenetic location: 1q21.2.
Variant type: Duplication.
Coding change: c.795dup on transcript NM_181703.4 (MANE Select); coding-DNA position 795, one base duplicated (C; older notation c.795dupC).
Protein change: p.Asp266fs; shifts the reading frame from aspartic acid 266.
Molecular consequence: frameshift variant.
Genome position (GRCh38, 1-based): chr1:147,758,444, G duplicated on the plus strand (C on the coding strand, the reverse complement: GJA5 is on the minus strand); the first of 6 consecutive G bases (chr1:147,758,444-147,758,449); duplicating any one gives the same sequence. VCF-style (leftmost placement, unchanged base first): chr1-147758443-C-CG. GRCh37 (hg19) VCF-style: chr1-147230551-C-CG.
Other names: c.795dup, p.Asp266fs (NM_005266.7); short protein forms D266fs.
Identifiers: ClinVar variation 1507804 (VCV001507804.8), dbSNP rs782537868, ClinGen allele CA1065703.
Genomic context (GRCh38, chr1:147,758,443, plus strand): 5'-TATTGCTGAAGGGATTGAAGAATTTTCCCCCAGGGCCATTCTCCAGGCACTGATTAAAGT[C>CG]GGGGGGTGGTGTGCAGCTCTGGACTATGCCCACAGAGGGGCCAGAAAGCTGGCACTTAGC-3'